The following is an entry in ClinVar:

NM_005476.7(GNE):c.1169C>T (p.Pro390Leu)

Gene: GNE (glucosamine (UDP-N-acetyl)-2-epimerase/N-acetylmannosamine kinase; minus strand). Cytogenetic location: 9p13.3.
Variant type: single nucleotide variant.
Coding change: c.1169C>T on transcript NM_005476.7 (MANE Select); coding-DNA position 1169, C replaced by T.
Protein change: p.Pro390Leu; replaces proline 390 with leucine.
Molecular consequence: missense variant.
Genome position (GRCh38, 1-based): chr9:36,227,360, G>A on the plus strand (C>T on the coding strand, the complement: GNE is on the minus strand). VCF-style: chr9-36227360-G-A. GRCh37 (hg19) VCF-style: chr9-36227357-G-A.
Other names: c.1262C>T, p.Pro421Leu (NM_001128227.3); c.1169C>T, p.Pro390Leu (NM_001190383.3); c.839C>T, p.Pro280Leu (NM_001190384.3); c.992C>T, p.Pro331Leu (NM_001190388.2, NM_001374798.1); c.1016C>T, p.Pro339Leu (NM_001374797.1); short protein forms P280L, P331L, P339L, P390L, P421L.
Identifiers: ClinVar variation 4814598 (VCV004814598.1).

ClinVar aggregate classification (germline): Likely pathogenic (1 of 4 stars; one submission).

Conditions:
GNE myopathy (NM). Also called: MYOPATHY, DISTAL, WITH OR WITHOUT RIMMED VACUOLES; IBM 2; Inclusion body myopathy autosomal recessive; Inclusion body myopathy quadriceps sparing; NONAKA DISTAL MYOPATHY; INCLUSION BODY MYOPATHY, HEREDITARY, AUTOSOMAL RECESSIVE. Identifiers: Orphanet 602, MedGen C1853926, MONDO:0011603, OMIM 605820.

Submission:

Natera, Inc.
Classification: Likely pathogenic for Nonaka myopathy. Last evaluated: 2024-05-15. Review status: criteria provided, single submitter. Criteria: Natera Variant Classification Schema (03/2026). Collection method: clinical testing. Allele origin: germline.
Comment: The c.1262C>T variant in GNE is a missense variant predicted to cause substitution of proline to leucine at amino acid 421. This variant is rare in the general population with a frequency below the threshold expected for the associated phenotype(s). This variant has been observed in one or more individuals affected with the associated recessive disease, as either homozygous or compound heterozygous with a second variant (PMID: 37188302, 35138478, 30112071). Computational prediction algorithms indicate this variant is likely to affect gene or protein function. Given the available evidence, this variant is classified as Likely Pathogenic.

Literature cited by the submitters: PubMed 37188302; PubMed 35138478; PubMed 30112071.